The following is an entry in ClinVar:

ClinVar aggregate classification (germline): Uncertain significance (1 of 4 stars; one submission).

Submission:

Women's Health and Genetics/Laboratory Corporation of America, LabCorp
Classification: Uncertain significance. Last evaluated: 2025-07-09. Review status: criteria provided, single submitter. Criteria: LabCorp Variant Classification Summary - May 2015. Collection method: clinical testing. Allele origin: germline.
Comment: Variant summary: AGXT c.97C>A (p.Leu33Met) results in a conservative amino acid change in the encoded protein sequence. Algorithms developed to predict the effect of missense changes on protein structure and function are either unavailable or do not agree on the potential impact of this missense change. The variant was absent in 248058 control chromosomes. The available data on variant occurrences in the general population are insufficient to allow any conclusion about variant significance. c.97C>A has been observed in individual(s) affected with Primary Hyperoxaluria Type 1 (Du_2018). These report(s) do not provide unequivocal conclusions about association of the variant with Primary Hyperoxaluria Type 1. Co-occurrences with other pathogenic variant(s) have been reported (AGXT c.1049G>A, p.Gly350Asp), providing supporting evidence for a benign role. At least one publication reports experimental evidence evaluating an impact on protein function (Du_2018). The most pronounced variant effect results in 30%-50% of normal activity. The following publication have been ascertained in the context of this evaluation (PMID: 30341509). No submitters have cited clinical-significance assessments for this variant to ClinVar. Based on the evidence outlined above, the variant was classified as uncertain significance.

Literature cited by the submitters: PubMed 30341509.

NM_000030.3(AGXT):c.97C>A (p.Leu33Met)

Gene: AGXT (alanine--glyoxylate aminotransferase; plus strand). Cytogenetic location: 2q37.3.
Variant type: single nucleotide variant.
Coding change: c.97C>A on transcript NM_000030.3 (MANE Select); coding-DNA position 97, C replaced by A.
Protein change: p.Leu33Met; replaces leucine 33 with methionine.
Molecular consequence: missense variant.
Genome position (GRCh38, 1-based): chr2:240,868,962, C>A. VCF-style: chr2-240868962-C-A. GRCh37 (hg19) VCF-style: chr2-241808379-C-A.
Other names: short protein forms L33M.
Identifiers: ClinVar variation 4526043 (VCV004526043.1).